The following is an entry in ClinVar:

NM_153704.6(TMEM67):c.192T>C (p.Pro64=)

Gene: TMEM67 (transmembrane protein 67; plus strand). Cytogenetic location: 8q22.1.
Variant type: single nucleotide variant.
Coding change: c.192T>C on transcript NM_153704.6 (MANE Select); coding-DNA position 192, T replaced by C.
Protein change: p.Pro64=; no amino-acid change (proline 64 retained).
Molecular consequence: synonymous variant. On other transcripts: 5 prime UTR variant (1), non-coding transcript variant (1).
Genome position (GRCh38, 1-based): chr8:93,755,106, T>C. VCF-style: chr8-93755106-T-C. GRCh37 (hg19) VCF-style: chr8-94767334-T-C.
Other names: c.-93T>C (NM_001142301.1).
Identifiers: ClinVar variation 699050 (VCV000699050.13), dbSNP rs150383995, ClinGen allele CA4807532.

ClinVar aggregate classification (germline): Likely benign. Review status: criteria provided, multiple submitters, no conflicts (2 of 4 stars). 4 submissions from 4 submitters: Likely benign (3). 1 of the submissions does not count toward it. Last evaluated 2026-01-19.

Conditions:
COACH syndrome 1. Identifiers: Orphanet 1454, MedGen C5435651, MONDO:0800103, OMIM 216360, MONDO:0008996.
Meckel syndrome, type 3 (MKS3). Also called: MECKEL-GRUBER SYNDROME, TYPE 3. Identifiers: Orphanet 564, MedGen C1846357, MONDO:0011821, OMIM 607361.
Joubert syndrome 6 (JBTS6). Identifiers: Orphanet 475, MedGen C1853153, MONDO:0012539, OMIM 610688.
RHYNS syndrome. Also called: RETINITIS PIGMENTOSA SYNDROME; RETINITIS PIGMENTOSA, HYPOPITUITARISM, NEPHRONOPHTHISIS, AND MILD SKELETAL DYSPLASIA. Identifiers: Orphanet 140976, MedGen C1865794, MONDO:0011202, OMIM 602152.
Bardet-Biedl syndrome 14 (BBS14). Identifiers: Orphanet 110, MedGen C2673874, MONDO:0014442, OMIM 615991.
Nephronophthisis 11 (NPHP11). Identifiers: Orphanet 84081, MedGen C3150796, MONDO:0013302, OMIM 613550.
TMEM67-related disorder. Also called: TMEM67-related condition; TMEM67-related disorders. Identifiers: MedGen CN239423.
Meckel-Gruber syndrome. Also called: DYSENCEPHALIA SPLANCHNOCYSTICA; GRUBER SYNDROME; Dysencephalia splachnocystica. Identifiers: Orphanet 564, MedGen C0265215, MONDO:0018921.
Joubert syndrome. Also called: JOUBERT-BOLTSHAUSER SYNDROME; Familial aplasia of the vermis. Identifiers: Orphanet 475, MedGen C5979921, MONDO:0018772.

Allele frequency attached by ClinVar (database versions not stated): ExAC 0.00007; TOPMed 0.00007; gnomAD exomes 0.00010 and 0.00015; gnomAD 0.00012 and 0.00013; ESP Exome Variant Server 0.00031.
gnomAD v4.1: 233 of 1,614,086 alleles (0.014%); highest among the groups gnomAD compares: Non-Finnish European, 0.018%; no homozygotes.

Submissions (4):

Labcorp Genetics (formerly Invitae), Labcorp
Classification: Likely benign for Joubert syndrome; Meckel-Gruber syndrome. Last evaluated: 2026-01-19. Review status: criteria provided, single submitter. Criteria: Invitae Variant Classification Sherloc (09022015). Collection method: clinical testing. Allele origin: germline.

Blueprint Genetics
Classification: Likely benign. Last evaluated: 2024-06-25. Review status: criteria provided, single submitter. Criteria: ACMG Guidelines, 2015. Collection method: clinical testing. Allele origin: germline.

Fulgent Genetics
Classification: Likely benign for COACH syndrome 1; RHYNS syndrome; Meckel syndrome, type 3; Joubert syndrome 6; Nephronophthisis 11; Bardet-Biedl syndrome 14. Last evaluated: 2021-12-14. Review status: criteria provided, single submitter. Criteria: ACMG Guidelines, 2015. Collection method: clinical testing. Allele origin: unknown.

PreventionGenetics, part of Exact Sciences
Classification: Likely benign for TMEM67-related condition. Last evaluated: 2024-07-19. Review status: no assertion criteria provided. Collection method: clinical testing. Allele origin: germline. Not counted in ClinVar's aggregate classification.
Comment: This variant is classified as likely benign based on ACMG/AMP sequence variant interpretation guidelines (Richards et al. 2015 PMID: 25741868, with internal and published modifications).